The following is an entry in ClinVar:

ClinVar aggregate classification (germline): Pathogenic (1 of 4 stars; one submission).

Conditions:
Autosomal recessive spinocerebellar ataxia 20. Identifiers: Orphanet 397709, MedGen C5190595, MONDO:0014601, OMIM 616354.

Submission:

Illumina Laboratory Services, Illumina
Classification: Pathogenic for Autosomal recessive spinocerebellar ataxia 20. Last evaluated: 2023-05-17. Review status: criteria provided, single submitter. Criteria: ICSLVariantClassificationCriteria RUGD 01 April 2020. Collection method: clinical testing. Allele origin: unknown.
Comment: The SNX14 c.2148+1G>T variant results in a substitution at the consensus splice donor site which may result in splicing defects. To our knowledge, this variant has not been reported in the peer-reviewed literature. This variant is not observed in version 2.1.1 or version 3.1.2 of the Genome Aggregation Database. The c.2148+1G>T variant was identified in a homozygous state. Based on the available evidence, the c.2148+1G>T variant is classified as pathogenic for spinocerebellar ataxia 20.

Literature cited by the submitters: PubMed 34691693.

NM_153816.6(SNX14):c.2148+1G>T

Gene: SNX14 (sorting nexin 14; minus strand). Cytogenetic location: 6q14.3.
Variant type: single nucleotide variant.
Coding change: c.2148+1G>T on transcript NM_153816.6 (MANE Select); the canonical splice donor site of the intron after coding-DNA position 2148, G replaced by T.
Molecular consequence: splice donor variant.
Genome position (GRCh38, 1-based): chr6:85,518,007, C>A on the plus strand (G>T on the coding strand, the complement: SNX14 is on the minus strand). VCF-style: chr6-85518007-C-A. GRCh37 (hg19) VCF-style: chr6-86227725-C-A.
Other names: c.1857+1G>T (NM_001350543.2); c.1989+1G>T (NM_001350539.2, NM_020468.6); c.1860+1G>T (NM_001350542.2); c.1704+1G>T (NM_001350546.2, NM_001350545.2); c.1098+1G>T (NM_001350547.2); c.1848+1G>T (NM_001350544.2); c.966+1G>T (NM_001350553.2); c.993+1G>T (NM_001350549.2, NM_001350548.2, NM_001350551.2 and 2 more transcripts); and 9 more.
Identifiers: ClinVar variation 2573004 (VCV002573004.1), dbSNP rs1329394489, ClinGen allele CA364900967.